The following is an entry in ClinVar:

ClinVar aggregate classification (germline): Uncertain significance (1 of 4 stars; one submission).

Conditions:
Gastrointestinal stromal tumor. Also called: Gastrointestinal stromal tumor, somatic; Gastrointestinal stroma tumor. Identifiers: Orphanet 44890, MedGen C0238198, MeSH D046152, MONDO:0011719, OMIM 606764, HP:0100723.

Submission:

Labcorp Genetics (formerly Invitae), Labcorp
Classification: Uncertain significance for Gastrointestinal stromal tumor. Last evaluated: 2024-02-04. Review status: criteria provided, single submitter. Criteria: Invitae Variant Classification Sherloc (09022015). Collection method: clinical testing. Allele origin: germline.
Comment: This sequence change replaces arginine, which is basic and polar, with cysteine, which is neutral and slightly polar, at codon 122 of the KIT protein (p.Arg122Cys). This variant is not present in population databases (gnomAD no frequency). This variant has not been reported in the literature in individuals affected with KIT-related conditions. ClinVar contains an entry for this variant (Variation ID: 1965554). An algorithm developed to predict the effect of missense changes on protein structure and function (PolyPhen-2) suggests that this variant is likely to be tolerated. In summary, the available evidence is currently insufficient to determine the role of this variant in disease. Therefore, it has been classified as a Variant of Uncertain Significance.

NM_000222.3(KIT):c.364C>T (p.Arg122Cys)

Gene: KIT (KIT proto-oncogene, receptor tyrosine kinase; plus strand). Cytogenetic location: 4q12.
Variant type: single nucleotide variant.
Coding change: c.364C>T on transcript NM_000222.3 (MANE Select); coding-DNA position 364, C replaced by T.
Protein change: p.Arg122Cys; replaces arginine 122 with cysteine.
Molecular consequence: missense variant.
Genome position (GRCh38, 1-based): chr4:54,698,310, C>T. VCF-style: chr4-54698310-C-T. GRCh37 (hg19) VCF-style: chr4-55564476-C-T.
Other names: c.364C>T, p.Arg122Cys (NM_001093772.2, NM_001385284.1, NM_001385285.1 and 4 more transcripts); short protein forms R122C.
Identifiers: ClinVar variation 1965554 (VCV001965554.5), dbSNP rs2109671926, ClinGen allele CA356897430.